The following is an entry in ClinVar:

ClinVar aggregate classification (germline): Benign (1 of 4 stars; one submission).

Conditions:
Keratosis follicularis (DAR). Also called: Darier's disease; Darier disease. Identifiers: Orphanet 218, MedGen C0022595, MONDO:0007417, OMIM 124200.

Allele frequency attached by ClinVar (database versions not stated): gnomAD 0.00030 and 0.00046; TOPMed 0.00035; ExAC 0.00066; gnomAD exomes 0.00073; 1000 Genomes Project 30x 0.00328; 1000 Genomes Project 0.00379.
gnomAD v4.1: 327 of 1,599,320 alleles (0.02%); highest among the groups gnomAD compares: East Asian, 0.52%; 1 homozygote.

Submissions (2):

Illumina Laboratory Services, Illumina
Classification: Benign for Keratosis follicularis. Last evaluated: 2018-01-12. Review status: criteria provided, single submitter. Criteria: ICSL Variant Classification Criteria 13 December 2019. Collection method: clinical testing. Allele origin: germline.
Comment: This variant was observed in the ICSL laboratory as part of a predisposition screen in an ostensibly healthy population. It had not been previously curated by ICSL or reported in the Human Gene Mutation Database (HGMD: prior to June 1st, 2018), and was therefore a candidate for classification through an automated scoring system. Utilizing variant allele frequency, disease prevalence and penetrance estimates, and inheritance mode, an automated score was calculated to assess if this variant is too frequent to cause the disease. Based on the score and internal cut-off values, a variant classified as benign is not then subjected to further curation. The score for this variant resulted in a classification of benign for this disease.

Dr. Peter K. Rogan Lab, Western University
No classification provided (evidence only). Condition: Gastric cancer. Review status: no classification provided. Collection method: in vitro. Allele origin: not applicable. Functional consequence: retained intron. Not counted in ClinVar's aggregate classification.

NM_170665.4(ATP2A2):c.1096-12C>G

Gene: ATP2A2 (ATPase sarcoplasmic/endoplasmic reticulum Ca2+ transporting 2; plus strand). Cytogenetic location: 12q24.11.
Variant type: single nucleotide variant.
Coding change: c.1096-12C>G on transcript NM_170665.4 (MANE Select); 12 bases into the intron before coding-DNA position 1096, C replaced by G.
Molecular consequence: intron variant.
Genome position (GRCh38, 1-based): chr12:110,332,585, C>G. VCF-style: chr12-110332585-C-G. GRCh37 (hg19) VCF-style: chr12-110770390-C-G.
Other names: NC_000012.11:g.110770390C>G; c.1096-12C>G (NM_001681.4).
Identifiers: ClinVar variation 307168 (VCV000307168.6), dbSNP rs138711897, ClinGen allele CA6783814.